The following is an entry in ClinVar:

ClinVar aggregate classification (germline): Pathogenic/Likely pathogenic. Review status: criteria provided, multiple submitters, no conflicts (2 of 4 stars). 3 submissions from 3 submitters: Pathogenic (1); Likely pathogenic (2). Last evaluated 2025-12-08.

Conditions:
Nemaline myopathy. Also called: Myopathies, Nemaline. Identifiers: Orphanet 607, MedGen C0206157, MONDO:0018958.
Nemaline myopathy 2 (NEM2). Also called: Nemaline myopathy 2, autosomal recessive. Identifiers: MedGen C1850569, MONDO:0009725, OMIM 256030.

Submissions (3):

Natera, Inc.
Classification: Likely pathogenic for Nemaline myopathy type 2. Last evaluated: 2025-12-08. Review status: criteria provided, single submitter. Criteria: Natera Variant Classification Schema (03/2026). Collection method: clinical testing. Allele origin: germline.
Comment: The c.17242delC variant in NEB is a frameshift variant predicted to shift the reading frame beginning at codon 5748 and leads to a stop codon 51 codons downstream. This variant is expected to result in nonsense mediated decay, truncation, or a dysfunctional protein product. This variant is rare in the general population with a frequency below the threshold expected for the associated phenotype(s). Given the available evidence, this variant is classified as Likely Pathogenic.

Broad Center for Mendelian Genomics, Broad Institute of MIT and Harvard
Classification: Likely pathogenic for Nemaline myopathy. Last evaluated: 2025-03-11. Review status: criteria provided, single submitter. Criteria: ACMG Guidelines, 2015. Collection method: curation. Allele origin: germline. Inheritance: Autosomal recessive inheritance.
Comment: The p.Arg5748GlyfsTer51 variant in NEB has not been previously reported in the literature in individuals with nemaline myopathy, but has been identified in 0.0002% (2/1179824) of European (non-Finnish) chromosomes by the Genome Aggregation Database (gnomAD). Although this variant has been seen in the general population in a heterozygous state, its frequency is low enough to be consistent with a recessive carrier frequency. This variant has also been reported in ClinVar (Variation ID: 1997663) and has been interpreted as pathogenic by Invitae. This variant is predicted to cause a frameshift, which alters the protein‚Äôs amino acid sequence beginning at position 5748 and leads to a premature termination codon 51 amino acids downstream. This alteration is then predicted to lead to a truncated or absent protein. Loss of function of the NEB gene is an established disease mechanism in autosomal recessive nemaline myopathy. In summary, although additional studies are required to fully establish its clinical significance, this variant is likely pathogenic for autosomal recessive nemaline myopathy. ACMG/AMP Criteria applied: PVS1, PM2_supporting (Richards 2015).

Labcorp Genetics (formerly Invitae), Labcorp
Classification: Pathogenic for Nemaline myopathy 2. Last evaluated: 2022-08-31. Review status: criteria provided, single submitter. Criteria: Invitae Variant Classification Sherloc (09022015). Collection method: clinical testing. Allele origin: germline.
Comment: For these reasons, this variant has been classified as Pathogenic. This variant has not been reported in the literature in individuals affected with NEB-related conditions. This variant is not present in population databases (gnomAD no frequency). This sequence change creates a premature translational stop signal (p.Arg5748Glyfs*51) in the NEB gene. It is expected to result in an absent or disrupted protein product. Loss-of-function variants in NEB are known to be pathogenic (PMID: 25205138).

Literature cited by the submitters: PubMed 25205138 (cited by Labcorp Genetics (formerly Invitae), Labcorp).

NM_001164508.2(NEB):c.17242del (p.Arg5748fs)

Gene: NEB (nebulin; minus strand). Cytogenetic location: 2q23.3.
Variant type: Deletion.
Coding change: c.17242del on transcript NM_001164508.2 (MANE Select); coding-DNA position 17242, one base deleted (C; older notation c.17242delC).
Protein change: p.Arg5748fs; shifts the reading frame from arginine 5748.
Molecular consequence: frameshift variant.
Genome position (GRCh38, 1-based): chr2:151,570,269, G deleted on the plus strand (C on the coding strand, the reverse complement: NEB is on the minus strand); the first of 2 consecutive G bases (chr2:151,570,269-151,570,270); deleting either gives the same sequence. VCF-style (leftmost placement, unchanged base first): chr2-151570268-CG-C. GRCh37 (hg19) VCF-style: chr2-152426782-CG-C.
Other names: NM_001164508.2(NEB):c.17242del; p.Arg5748fs; c.17242del, p.Arg5748fs (NM_001164507.2, NM_001271208.2); c.12139del, p.Arg4047fs (NM_004543.5); c.17242delC (NM_001271208.1); short protein forms R4047fs, R5748fs.
Identifiers: ClinVar variation 1997663 (VCV001997663.6), dbSNP rs2552195896, ClinGen allele CA2577121157.